The following is an entry in ClinVar:

ClinVar aggregate classification (germline): Pathogenic (1 of 4 stars; one submission).

Submission:

Labcorp Genetics (formerly Invitae), Labcorp
Classification: Pathogenic. Last evaluated: 2020-09-19. Review status: criteria provided, single submitter. Criteria: Invitae Variant Classification Sherloc (09022015). Collection method: clinical testing. Allele origin: germline.
Comment: A gross deletion of the genomic region encompassing the full coding sequence of the RP2 gene has been identified. The boundaries of this event are unknown as the deletion extends beyond the assayed region for this gene and therefore may encompass additional genes. A similar deletion has been observed in an individual affected with clinical features of retinitis pigmentosa (PMID: 16969763). Loss-of-function variants in RP2 are known to be pathogenic (PMID: 11992260, 20625056). For these reasons, this variant has been classified as Pathogenic.

Literature cited by the submitters: PubMed 16969763; PubMed 11992260; PubMed 20625056.

NC_000023.10:g.(?_46508101)_(46739204_?)del

Genes: RP2 (RP2 activator of ARL3 GTPase; plus strand), SLC9A7 (solute carrier family 9 member A7; minus strand). Cytogenetic location: Xp11.23.
Variant type: Deletion.
Identifiers: ClinVar variation 1072830 (VCV001072830.1).